The following is an entry in ClinVar:

NM_022841.7(RFX7):c.2702A>T (p.Asn901Ile)

Gene: RFX7 (regulatory factor X7; minus strand). Cytogenetic location: 15q21.3.
Variant type: single nucleotide variant.
Coding change: c.2702A>T on transcript NM_022841.7 (MANE Select); coding-DNA position 2702, A replaced by T.
Protein change: p.Asn901Ile; replaces asparagine 901 with isoleucine.
Molecular consequence: missense variant.
Genome position (GRCh38, 1-based): chr15:56,095,026, T>A on the plus strand (A>T on the coding strand, the complement: RFX7 is on the minus strand). VCF-style: chr15-56095026-T-A. GRCh37 (hg19) VCF-style: chr15-56387224-T-A.
Other names: c.2411A>T, p.Asn804Ile (NM_001368073.2, NM_001368074.1, NM_001370554.1); c.2702A>T, p.Asn901Ile (NM_001370561.1); short protein forms N804I, N901I.
Identifiers: ClinVar variation 4883096 (VCV004883096.2).

ClinVar aggregate classification (germline): Uncertain significance (1 of 4 stars; one submission).

Submission:

Dasa
Classification: Uncertain significance. Last evaluated: 2024-12-02. Review status: criteria provided, single submitter. Criteria: DASA Assertion Criteria. Collection method: clinical testing. Allele origin: germline.
Comment: NM_022841.7(RFX7):c.2702A>T (p.Asn901Ile) is a missense variant that results in the substitution of asparagine with isoleucine. This variant is absent from population databases. Computational prediction algorithms are consistent with a benign effect. The currently available literature and clinical evidence are not sufficient to establish a definitive association between this variant and the reported condition. Therefore, this variant is classified as a variant of uncertain significance.